The following is an entry in ClinVar:

NM_004341.5(CAD):c.5545_5546del (p.Phe1849fs)

Gene: CAD (carbamoyl-phosphate synthetase 2, aspartate transcarbamylase, and dihydroorotase; plus strand). Cytogenetic location: 2p23.3.
Variant type: Deletion.
Coding change: c.5545_5546del on transcript NM_004341.5 (MANE Select); coding-DNA positions 5545 to 5546, 2 bases deleted (TT; older notation c.5545_5546delTT).
Protein change: p.Phe1849fs; shifts the reading frame from phenylalanine 1849.
Molecular consequence: frameshift variant.
Genome position (GRCh38, 1-based): chr2:27,240,313-27,240,314, TT deleted. VCF-style (leftmost placement, unchanged base first): chr2-27240312-CTT-C. GRCh37 (hg19) VCF-style: chr2-27463180-CTT-C.
Other names: c.5356_5357del, p.Phe1786fs (NM_001306079.2); short protein forms F1786fs, F1849fs.
Identifiers: ClinVar variation 930757 (VCV000930757.3), dbSNP rs1676249686, ClinGen allele CA1139656801.

ClinVar aggregate classification (germline): Pathogenic (1 of 4 stars; one submission).

Conditions:
Developmental and epileptic encephalopathy, 50 (DEE50). Also called: Epileptic encephalopathy, early infantile, 50. Identifiers: Orphanet 448010, MedGen C4225320, MONDO:0014647, OMIM 616457.

Submission:

Centre for Mendelian Genomics, University Medical Centre Ljubljana
Classification: Pathogenic for Developmental and epileptic encephalopathy, 50. Last evaluated: 2019-08-02. Review status: criteria provided, single submitter. Criteria: ACMG Guidelines, 2015. Collection method: clinical testing. Allele origin: unknown. Affected: yes.
Comment: This variant was classified as: Pathogenic. The following ACMG criteria were applied in classifying this variant: PVS1,PM2.